The following is an entry in ClinVar:

NM_004360.5(CDH1):c.1712-5C>T

Gene: CDH1 (cadherin 1; plus strand). Cytogenetic location: 16q22.1.
Variant type: single nucleotide variant.
Coding change: c.1712-5C>T on transcript NM_004360.5 (MANE Select); 5 bases into the intron before coding-DNA position 1712, C replaced by T.
Molecular consequence: intron variant.
Genome position (GRCh38, 1-based): chr16:68,821,996, C>T. VCF-style: chr16-68821996-C-T. GRCh37 (hg19) VCF-style: chr16-68855899-C-T.
Other names: c.164-5C>T (NM_001317185.2); c.-254-5C>T (NM_001317186.2); c.1529-5C>T (NM_001317184.2).
Identifiers: ClinVar variation 819884 (VCV000819884.5), dbSNP rs1596963305, ClinGen allele CA915949319.

ClinVar aggregate classification (germline): Uncertain significance (1 of 4 stars; one submission).

Conditions:
Hereditary cancer-predisposing syndrome. Also called: Tumor predisposition; Neoplastic Syndromes, Hereditary; Hereditary Cancer Syndrome; Hereditary neoplastic syndrome. Identifiers: Orphanet 140162, MedGen C0027672, MeSH D009386, MONDO:0015356.

Submission:

Ambry Genetics
Classification: Uncertain significance for Hereditary cancer-predisposing syndrome. Last evaluated: 2026-02-04. Review status: criteria provided, single submitter. Criteria: Ambry Variant Classification Scheme 2023. Collection method: clinical testing. Allele origin: germline.
Comment: The c.1712-5C>T intronic variant results from a C to T substitution 5 nucleotides upstream from coding exon 12 in the CDH1 gene. This nucleotide position is poorly conserved in available vertebrate species. In silico splice site analysis predicts that this alteration will not have any significant effect on splicing. Based on the available evidence, the clinical significance of this variant remains unclear.